The following is an entry in ClinVar:

NM_015331.3(NCSTN):c.1991C>T (p.Ala664Val)

Gene: NCSTN (nicastrin; plus strand). Cytogenetic location: 1q23.2.
Variant type: single nucleotide variant.
Coding change: c.1991C>T on transcript NM_015331.3 (MANE Select); coding-DNA position 1991, C replaced by T.
Protein change: p.Ala664Val; replaces alanine 664 with valine.
Molecular consequence: missense variant. On other transcripts: intron variant (1).
Genome position (GRCh38, 1-based): chr1:160,357,237, C>T. VCF-style: chr1-160357237-C-T. GRCh37 (hg19) VCF-style: chr1-160327027-C-T.
Other names: c.1931C>T, p.Ala644Val (NM_001290184.2); c.1577C>T, p.Ala526Val (NM_001290186.2); c.1794+483C>T (NM_001349729.2); short protein forms A644V, A664V, A526V.
Identifiers: ClinVar variation 3688086 (VCV003688086.2).

ClinVar aggregate classification (germline): Uncertain significance (1 of 4 stars; one submission).

gnomAD v4.1: 13 of 1,613,382 alleles (0.00081%); highest among the groups gnomAD compares: South Asian, 0.0011%; no homozygotes.

Submission:

Labcorp Genetics (formerly Invitae), Labcorp
Classification: Uncertain significance. Last evaluated: 2024-09-03. Review status: criteria provided, single submitter. Criteria: Invitae Variant Classification Sherloc (09022015). Collection method: clinical testing. Allele origin: germline.
Comment: This sequence change replaces alanine, which is neutral and non-polar, with valine, which is neutral and non-polar, at codon 664 of the NCSTN protein (p.Ala664Val). This variant is present in population databases (no rsID available, gnomAD 0.002%). This variant has not been reported in the literature in individuals affected with NCSTN-related conditions. Invitae Evidence Modeling of protein sequence and biophysical properties (such as structural, functional, and spatial information, amino acid conservation, physicochemical variation, residue mobility, and thermodynamic stability) indicates that this missense variant is expected to disrupt NCSTN protein function with a positive predictive value of 80%. In summary, the available evidence is currently insufficient to determine the role of this variant in disease. Therefore, it has been classified as a Variant of Uncertain Significance.